The following is an entry in ClinVar:

ClinVar aggregate classification (germline): Likely benign. Review status: criteria provided, single submitter (1 of 4 stars). 2 submissions from 2 submitters: Likely benign (1). 1 of the submissions does not count toward it. Last evaluated 2025-03-26.

Conditions:
SBF1-related disorder. Also called: SBF1-related condition.

Allele frequency attached by ClinVar (database versions not stated): TOPMed below 0.00001; gnomAD exomes 0.00003.
gnomAD v4.1: 38 of 1,614,018 alleles (0.0024%); highest among the groups gnomAD compares: Non-Finnish European, 0.0032%; no homozygotes.

Submissions (2):

Labcorp Genetics (formerly Invitae), Labcorp
Classification: Likely benign. Last evaluated: 2025-03-26. Review status: criteria provided, single submitter. Criteria: Invitae Variant Classification Sherloc (09022015). Collection method: clinical testing. Allele origin: germline.

PreventionGenetics, part of Exact Sciences
Classification: Likely benign for SBF1-related condition. Last evaluated: 2022-08-30. Review status: no assertion criteria provided. Collection method: clinical testing. Allele origin: germline. Not counted in ClinVar's aggregate classification.
Comment: This variant is classified as likely benign based on ACMG/AMP sequence variant interpretation guidelines (Richards et al. 2015 PMID: 25741868, with internal and published modifications).

NM_002972.4(SBF1):c.972A>G (p.Pro324=)

Gene: SBF1 (SET binding factor 1; minus strand). Cytogenetic location: 22q13.33.
Variant type: single nucleotide variant.
Coding change: c.972A>G on transcript NM_002972.4 (MANE Select); coding-DNA position 972, A replaced by G.
Protein change: p.Pro324=; no amino-acid change (proline 324 retained).
Molecular consequence: synonymous variant.
Genome position (GRCh38, 1-based): chr22:50,466,000, T>C on the plus strand (A>G on the coding strand, the complement: SBF1 is on the minus strand). VCF-style: chr22-50466000-T-C. GRCh37 (hg19) VCF-style: chr22-50904429-T-C.
Other names: c.975A>G, p.Pro325= (NM_001365819.1, NM_001410794.1); c.972A>G, p.Pro324= (NM_001410795.1, NM_197971.1); c.972A>G (NM_002972.3).
Identifiers: ClinVar variation 1959098 (VCV001959098.7), dbSNP rs770848747, ClinGen allele CA10317895.